The following is an entry in ClinVar:

ClinVar aggregate classification (germline): Conflicting classifications of pathogenicity. Review status: criteria provided, conflicting classifications (1 of 4 stars). 3 submissions from 3 submitters: Likely pathogenic (1); Uncertain significance (2). Last evaluated 2024-09-12.

Conditions:
Fanconi anemia (FA). Also called: Fanconi's anemia. Identifiers: Orphanet 84, MedGen C0015625, MeSH D005199, MONDO:0019391.

gnomAD v4.1: 7 of 1,420,156 alleles (0.00049%); highest among the groups gnomAD compares: Non-Finnish European, 0.00069%; no homozygotes.

Submissions (3):

GeneDx
Classification: Likely pathogenic. Last evaluated: 2024-09-12. Review status: criteria provided, single submitter. Criteria: GeneDx Variant Classification Process June 2021. Collection method: clinical testing. Allele origin: germline. Affected: yes.
Comment: Canonical splice site variant predicted to result in a null allele in a gene for which loss of function is a known mechanism of disease; Has not been previously published as pathogenic or benign to our knowledge; No data available from control populations to assess the frequency of this variant

Quest Diagnostics Nichols Institute San Juan Capistrano
Classification: Uncertain significance. Last evaluated: 2023-11-09. Review status: criteria provided, single submitter. Criteria: Quest Diagnostics criteria. Collection method: clinical testing. Allele origin: unknown.
Comment: The FANCC c.-78-1G>C variant has been reported in the published literature in individuals with breast cancer as well as in an unaffected individual (PMID: 33471991 (2021), see also LOVD). This variant has not been reported in large, multi-ethnic general populations (Genome Aggregation Database), however the frequency may be unreliable due to suboptimal data quality. Analysis of this variant using software algorithms for the prediction of the effect of nucleotide changes on splicing yielded predictions that this variant may affect proper FANCC mRNA splicing. Based on the available information, we are unable to determine the clinical significance of this variant.

Labcorp Genetics (formerly Invitae), Labcorp
Classification: Uncertain significance for Fanconi anemia. Last evaluated: 2020-01-30. Review status: criteria provided, single submitter. Criteria: Invitae Variant Classification Sherloc (09022015). Collection method: clinical testing. Allele origin: germline.
Comment: This sequence change falls in intron 1 of the FANCC gene. It does not directly change the encoded amino acid sequence of the FANCC protein, but it affects a nucleotide within the consensus splice site of the intron. This variant is not present in population databases (ExAC no frequency). This variant has not been reported in the literature in individuals with FANCC-related conditions. Nucleotide substitutions within the consensus splice site are a relatively common cause of aberrant splicing (PMID: 17576681, 9536098). Algorithms developed to predict the effect of sequence changes on RNA splicing suggest that this variant may disrupt the consensus splice site, but this prediction has not been confirmed by published transcriptional studies. In summary, the available evidence is currently insufficient to determine the role of this variant in disease. Therefore, it has been classified as a Variant of Uncertain Significance.

Literature cited by the submitters: PubMed 33471991 (cited by Quest Diagnostics Nichols Institute San Juan Capistrano); PubMed 17576681 (cited by Labcorp Genetics (formerly Invitae), Labcorp); PubMed 9536098 (cited by Labcorp Genetics (formerly Invitae), Labcorp).

NM_000136.3(FANCC):c.-78-1G>C

Gene: FANCC (FA complementation group C; minus strand). Cytogenetic location: 9q22.32.
Variant type: single nucleotide variant.
Coding change: c.-78-1G>C on transcript NM_000136.3 (MANE Select); the canonical splice acceptor site of the intron before 78 bases upstream of the start codon, G replaced by C.
Molecular consequence: splice acceptor variant.
Genome position (GRCh38, 1-based): chr9:95,249,370, C>G on the plus strand (G>C on the coding strand, the complement: FANCC is on the minus strand). VCF-style: chr9-95249370-C-G. GRCh37 (hg19) VCF-style: chr9-98011652-C-G.
Other names: c.-78-1G>C (NM_001243743.2, NM_001243744.2, NM_000136.2).
Identifiers: ClinVar variation 1063248 (VCV001063248.4), dbSNP rs2136103070, ClinGen allele CA2499220022.